The following is an entry in ClinVar:

NM_201384.3(PLEC):c.1263+6_1263+7insCAGTCGGTGA

Genes: PLEC (plectin; minus strand), LOC130001334 (ATAC-STARR-seq lymphoblastoid silent region 19628; plus strand). Cytogenetic location: 8q24.3.
Variant type: Insertion.
Coding change: c.1263+6_1263+7insCAGTCGGTGA on transcript NM_201384.3 (MANE Select); bases 6 to 7 of the intron after coding-DNA position 1263, CAGTCGGTGA inserted.
Molecular consequence: intron variant.
Genome position: GRCh38 VCF-style: chr8-143933991-C-CTCACCGACTG. GRCh37 (hg19) VCF-style: chr8-145008159-C-CTCACCGACTG.
Other names: p.?; c.1344+6_1344+7insCAGTCGGTGA (NM_000445.5); c.1221+6_1221+7insCAGTCGGTGA (NM_201378.4); c.1197+6_1197+7insCAGTCGGTGA (NM_201379.3); c.1674+6_1674+7insCAGTCGGTGA (NM_201380.4); c.1167+6_1167+7insCAGTCGGTGA (NM_201381.3); c.1263+6_1263+7insCAGTCGGTGA (NM_201382.4); c.1275+6_1275+7insCAGTCGGTGA (NM_201383.3).
Identifiers: ClinVar variation 539050 (VCV000539050.14), dbSNP rs782710802, ClinGen allele CA4928076.
Genomic context (GRCh38, chr8:143,933,991, plus strand): 5'-GGGCTGCAGGGCGGGGCAGGCTCCTCCGGCCTCCCTCCCGCCCACTGCCTGCCCCACACC[C>CTCACCGACTG]CCTCACCGACTGCAGCAGGGCGTCGGCCTGGTTCAGCTGCTCCTCACACAGCCCCGCCTC-3'

ClinVar aggregate classification (germline): Benign/Likely benign. Review status: criteria provided, multiple submitters, no conflicts (2 of 4 stars). 3 submissions from 3 submitters: Benign (2); Likely benign (1). Last evaluated 2025-02-04.

Conditions:
Epidermolysis bullosa simplex with nail dystrophy (EBS5D). Identifiers: MedGen C4225309, MONDO:0014661, OMIM 616487.
Epidermolysis bullosa simplex 5B, with muscular dystrophy (EBS5B). Also called: EPIDERMOLYSIS BULLOSA SIMPLEX AND LIMB-GIRDLE MUSCULAR DYSTROPHY; Epidermolysis bullosa simplex with muscular dystrophy. Identifiers: Orphanet 257, MedGen C2931072, MONDO:0009181, OMIM 226670.
Epidermolysis bullosa simplex, Ogna type (EBS5A). Also called: Pidermolysis bullosa simplex 5A, Ogna type; EPIDERMOLYSIS BULLOSA SIMPLEX 5A, OGNA TYPE. Identifiers: Orphanet 79401, MedGen C0432317, MONDO:0007555, OMIM 131950.
Autosomal recessive limb-girdle muscular dystrophy type 2Q (LGMDR17). Also called: MUSCULAR DYSTROPHY, LIMB-GIRDLE, AUTOSOMAL RECESSIVE 17. Identifiers: Orphanet 254361, MedGen C3150989, MONDO:0013390, OMIM 613723.
Epidermolysis bullosa simplex 5C, with pyloric atresia (EBS5C). Also called: PLEC-Related Epidermolysis Bullosa with Pyloric Atresia; Epidermolysis bullosa simplex with pyloric atresia; PLEC1-Related Epidermolysis Bullosa with Pyloric Atresia. Identifiers: Orphanet 158684, MedGen C2677349, MONDO:0012807, OMIM 612138.

Allele frequency attached by ClinVar (database versions not stated): ExAC 0.00054; gnomAD 0.01565 and 0.01665; 1000 Genomes Project 30x 0.02327.

Submissions (3):

Mayo Clinic Laboratories, Mayo Clinic
Classification: Benign. Last evaluated: 2025-02-04. Review status: criteria provided, single submitter. Criteria: ACMG Guidelines, 2015. Collection method: clinical testing. Allele origin: germline. Observed: 5 variant alleles.
Comment: BA1, BS2, PP3

Labcorp Genetics (formerly Invitae), Labcorp
Classification: Benign for Autosomal recessive limb-girdle muscular dystrophy type 2Q; Epidermolysis bullosa simplex, Ogna type; Epidermolysis bullosa simplex with nail dystrophy; Epidermolysis bullosa simplex 5C, with pyloric atresia; Epidermolysis bullosa simplex 5B, with muscular dystrophy. Last evaluated: 2025-01-24. Review status: criteria provided, single submitter. Criteria: Invitae Variant Classification Sherloc (09022015). Collection method: clinical testing. Allele origin: germline.

GeneDx
Classification: Likely benign. Last evaluated: 2019-02-02. Review status: criteria provided, single submitter. Criteria: GeneDx Variant Classification Process June 2021. Collection method: clinical testing. Allele origin: germline. Affected: yes.